The following is an entry in ClinVar:

NM_000232.5(SGCB):c.9_17dup (p.Ala7_Ala9dup)

Genes: SGCB (sarcoglycan beta; minus strand), LOC129992585 (ATAC-STARR-seq lymphoblastoid silent region 15421; plus strand). Cytogenetic location: 4q12.
Variant type: Duplication.
Coding change: c.9_17dup on transcript NM_000232.5 (MANE Select); coding-DNA positions 9 to 17, 9 bases duplicated (AGCGGCGGC; older notation c.9_17dupAGCGGCGGC).
Protein change: p.Ala7_Ala9dup.
Molecular consequence: inframe insertion, initiator codon variant.
Genome position (GRCh38, 1-based): chr4:52,038,243-52,038,251, GCCGCCGCT duplicated on the plus strand (AGCGGCGGC on the coding strand, the reverse complement: SGCB is on the minus strand); duplicating any 9 consecutive bases within chr4:52,038,243-52,038,257 gives the same sequence; the c. name uses the placement nearest the transcript's 3' end. VCF-style (leftmost placement, unchanged base first): chr4-52038242-C-CGCCGCCGCT. GRCh37 (hg19) VCF-style: chr4-52904408-C-CGCCGCCGCT.
Identifiers: ClinVar variation 552086 (VCV000552086.8), dbSNP rs1410190129, ClinGen allele CA658822654.

ClinVar aggregate classification (germline): Uncertain significance. Review status: criteria provided, single submitter (1 of 4 stars). 3 submissions from 3 submitters: Uncertain significance (1). 2 of the submissions do not count toward it. Last evaluated 2021-09-01.

Conditions:
Autosomal recessive limb-girdle muscular dystrophy type 2E (LGMDR4). Also called: MUSCULAR DYSTROPHY, LIMB-GIRDLE, AUTOSOMAL RECESSIVE 4. Identifiers: Orphanet 119, MedGen C1858593, MONDO:0011423, OMIM 604286. Disease mechanism: Affects gamma-sarcoglycan and also disrupts the integrity of the entire sarcoglycan complex..

Submissions (3):

Labcorp Genetics (formerly Invitae), Labcorp
Classification: Uncertain significance for Autosomal recessive limb-girdle muscular dystrophy type 2E. Last evaluated: 2021-09-01. Review status: criteria provided, single submitter. Criteria: Invitae Variant Classification Sherloc (09022015). Collection method: clinical testing. Allele origin: germline.
Comment: This variant, c.9_17dup, results in the insertion of 3 amino acid(s) to the SGCB protein (p.Ala7_Ala9dup), but otherwise preserves the integrity of the reading frame. The frequency data for this variant in the population databases is considered unreliable, as metrics indicate insufficient coverage at this position in the ExAC database. This variant has not been reported in the literature in individuals affected with SGCB-related conditions. ClinVar contains an entry for this variant (Variation ID: 552086). Experimental studies and prediction algorithms are not available or were not evaluated, and the functional significance of this variant is currently unknown. In summary, the available evidence is currently insufficient to determine the role of this variant in disease. Therefore, it has been classified as a Variant of Uncertain Significance.

Natera, Inc.
Classification: Uncertain significance for Limb-girdle muscular dystrophy type 2E. Last evaluated: 2020-03-31. Review status: no assertion criteria provided. Collection method: clinical testing. Allele origin: germline. Not counted in ClinVar's aggregate classification.

Counsyl
Classification: Uncertain significance for Autosomal recessive limb-girdle muscular dystrophy type 2E. Last evaluated: 2017-05-26. Review status: no assertion criteria provided. Collection method: clinical testing. Allele origin: unknown. Not counted in ClinVar's aggregate classification.